The following is an entry in ClinVar:

NM_020975.6(RET):c.421G>A (p.Gly141Ser)

Gene: RET (ret proto-oncogene; plus strand). Cytogenetic location: 10q11.21.
Variant type: single nucleotide variant.
Coding change: c.421G>A on transcript NM_020975.6 (MANE Select); coding-DNA position 421, G replaced by A.
Protein change: p.Gly141Ser; replaces glycine 141 with serine.
Molecular consequence: missense variant.
Genome position (GRCh38, 1-based): chr10:43,102,425, G>A. VCF-style: chr10-43102425-G-A. GRCh37 (hg19) VCF-style: chr10-43597873-G-A.
Other names: c.421G>A, p.Gly141Ser (NM_000323.2, NM_001406743.1, NM_001406744.1 and 16 more transcripts); short protein forms G141S.
Identifiers: ClinVar variation 1738821 (VCV001738821.9), dbSNP rs749190212, ClinGen allele CA206713303.
Genomic context (GRCh38, chr10:43,102,425, plus strand): 5'-GTCTACCTCAAGGTCTTCCTGTCACCCACATCCCTTCGTGAGGGCGAGTGCCAGTGGCCA[G>A]GCTGTGCCCGCGTATACTTCTCCTTCTTCAACACCTCCTTTCCAGCCTGCAGCTCCCTCA-3'
Protein context (NP_066124.1, residues 131-151): SLREGECQWP[Gly141Ser]CARVYFSFFN

ClinVar aggregate classification (germline): Uncertain significance. Review status: criteria provided, multiple submitters, no conflicts (2 of 4 stars). 3 submissions from 3 submitters: Uncertain significance (3). Last evaluated 2026-01-19.

Conditions:
Multiple endocrine neoplasia, type 2 (MEN2). Identifiers: Orphanet 653, MedGen C4048306, MONDO:0019003. Disease mechanism: gain of function.
Hereditary cancer-predisposing syndrome. Also called: Hereditary Cancer Syndrome; Hereditary neoplastic syndrome; Neoplastic Syndromes, Hereditary; Tumor predisposition. Identifiers: Orphanet 140162, MedGen C0027672, MeSH D009386, MONDO:0015356.

Allele frequency attached by ClinVar (database versions not stated): gnomAD exomes below 0.00001.
gnomAD v4.1: 2 of 1,614,248 alleles (0.00012%); highest among the groups gnomAD compares: Admixed American, 0.0033%; no homozygotes.

Submissions (3):

Labcorp Genetics (formerly Invitae), Labcorp
Classification: Uncertain significance for Multiple endocrine neoplasia, type 2. Last evaluated: 2026-01-19. Review status: criteria provided, single submitter. Criteria: Invitae Variant Classification Sherloc (09022015). Collection method: clinical testing. Allele origin: germline.
Comment: This sequence change replaces glycine, which is neutral and non-polar, with serine, which is neutral and polar, at codon 141 of the RET protein (p.Gly141Ser). This variant is present in population databases (rs749190212, gnomAD 0.003%). This variant has not been reported in the literature in individuals affected with RET-related conditions. ClinVar contains an entry for this variant (Variation ID: 1738821). An algorithm developed to predict the effect of missense changes on protein structure and function outputs the following: PolyPhen-2: "Benign". The serine amino acid residue is found in multiple mammalian species, which suggests that this missense change does not adversely affect protein function. In summary, the available evidence is currently insufficient to determine the role of this variant in disease. Therefore, it has been classified as a Variant of Uncertain Significance.

Ambry Genetics
Classification: Uncertain significance for Hereditary cancer-predisposing syndrome. Last evaluated: 2024-12-25. Review status: criteria provided, single submitter. Criteria: Ambry Variant Classification Scheme 2023. Collection method: clinical testing. Allele origin: germline.
Comment: The p.G141S variant (also known as c.421G>A), located in coding exon 3 of the RET gene, results from a G to A substitution at nucleotide position 421. The glycine at codon 141 is replaced by serine, an amino acid with similar properties. This amino acid position is conserved. In addition, this alteration is predicted to be tolerated by in silico analysis. Since supporting evidence is limited at this time, the clinical significance of this alteration remains unclear.

Blueprint Genetics
Classification: Uncertain significance. Last evaluated: 2024-03-11. Review status: criteria provided, single submitter. Criteria: ACMG Guidelines, 2015. Collection method: clinical testing. Allele origin: germline.